The following is an entry in ClinVar:

NM_198253.3(TERT):c.3187G>A (p.Gly1063Ser)

Gene: TERT (telomerase reverse transcriptase; minus strand). Cytogenetic location: 5p15.33.
Variant type: single nucleotide variant.
Coding change: c.3187G>A on transcript NM_198253.3 (MANE Select); coding-DNA position 3187, G replaced by A.
Protein change: p.Gly1063Ser; replaces glycine 1063 with serine.
Molecular consequence: missense variant. On other transcripts: non-coding transcript variant (2).
Genome position (GRCh38, 1-based): chr5:1,254,476, C>T on the plus strand (G>A on the coding strand, the complement: TERT is on the minus strand). VCF-style: chr5-1254476-C-T. GRCh37 (hg19) VCF-style: chr5-1254591-C-T.
Other names: p.Gly1063Ser; c.2998G>A, p.Gly1000Ser (NM_001193376.3); short protein forms G1063S, G1000S.
Identifiers: ClinVar variation 658115 (VCV000658115.38), dbSNP rs938938578, ClinGen allele CA112923449.

ClinVar aggregate classification (germline): Pathogenic/Likely pathogenic. Review status: criteria provided, multiple submitters, no conflicts (2 of 4 stars). 5 submissions from 5 submitters: Pathogenic (1); Likely pathogenic (3). 1 of the submissions does not count toward it. Last evaluated 2026-05-08.

Conditions:
Dyskeratosis congenita. Identifiers: Orphanet 1775, MedGen C0265965, MONDO:0015780.
Pulmonary fibrosis. Identifiers: MedGen C0034069, MONDO:0002771, HP:0002206.
Dyskeratosis congenita, autosomal dominant 2. Identifiers: MedGen C3151443, MONDO:0013521, OMIM 613989.
Idiopathic Pulmonary Fibrosis. Also called: Idiopathic fibrosing alveolitis, chronic form; idiopathic fibrosing alveolitis. Identifiers: Orphanet 2032, MedGen C1800706, MeSH D054990, MONDO:0800504.

Allele frequency attached by ClinVar (database versions not stated): TOPMed below 0.00001; gnomAD exomes below 0.00001.
gnomAD v4.1: 3 of 1,612,738 alleles (0.00019%); highest among the groups gnomAD compares: Non-Finnish European, 0.00025%; no homozygotes.

Submissions (5):

Ambry Genetics
Classification: Likely pathogenic for Dyskeratosis congenita. Last evaluated: 2026-05-08. Review status: criteria provided, single submitter. Criteria: Ambry Variant Classification Scheme 2023. Collection method: clinical testing. Allele origin: germline.
Comment: The p.G1063S variant (also known as c.3187G>A), located in coding exon 15 of the TERT gene, results from a G to A substitution at nucleotide position 3187. The glycine at codon 1063 is replaced by serine, an amino acid with similar properties. This variant was reported in individual(s) with features consistent with TERT-related disorder (Diaz de Leon A et al. PLoS One, 2010 May;5:e10680; Dressen A et al. Lancet Respir Med, 2018 Aug;6:603-614; Vulliamy TJ et al. PLoS One, 2011 Sep;6:e24383; external communications). This amino acid position is well conserved in available vertebrate species. In addition, this alteration is predicted to be deleterious by in silico analysis. This variant is considered to be rare based on population cohorts in the Genome Aggregation Database (gnomAD). Based on the majority of available evidence to date, this variant is likely to be pathogenic.

Labcorp Genetics (formerly Invitae), Labcorp
Classification: Likely pathogenic for Dyskeratosis congenita, autosomal dominant 2; Idiopathic Pulmonary Fibrosis. Last evaluated: 2025-09-28. Review status: criteria provided, single submitter. Criteria: Invitae Variant Classification Sherloc (09022015). Collection method: clinical testing. Allele origin: germline.
Comment: This sequence change replaces glycine, which is neutral and non-polar, with serine, which is neutral and polar, at codon 1063 of the TERT protein (p.Gly1063Ser). This variant is not present in population databases (gnomAD no frequency). This missense change has been observed in individual(s) with clinical features of TERT-related conditions (PMID: 20502709, 21931702; internal data). It has also been observed to segregate with disease in related individuals. ClinVar contains an entry for this variant (Variation ID: 658115). Invitae Evidence Modeling of protein sequence and biophysical properties (such as structural, functional, and spatial information, amino acid conservation, physicochemical variation, residue mobility, and thermodynamic stability) indicates that this missense variant is expected to disrupt TERT protein function with a positive predictive value of 95%. Experimental studies have shown that this missense change affects TERT function (PMID: 20502709). In summary, the currently available evidence indicates that the variant is pathogenic, but additional data are needed to prove that conclusively. Therefore, this variant has been classified as Likely Pathogenic.

GeneDx
Classification: Pathogenic. Last evaluated: 2025-05-13. Review status: criteria provided, single submitter. Criteria: GeneDx Variant Classification Process June 2021. Collection method: clinical testing. Allele origin: germline. Affected: yes.
Comment: Not observed at significant frequency in large population cohorts (gnomAD); In silico analysis supports that this missense variant has a deleterious effect on protein structure/function; This variant is associated with the following publications: (PMID: 21931702, 20502709, 27540018, 36496180, 36028256)

Baylor Genetics
Classification: Likely pathogenic for Dyskeratosis congenita, autosomal dominant 2. Last evaluated: 2023-11-29. Review status: criteria provided, single submitter. Criteria: ACMG Guidelines, 2015. Collection method: clinical testing. Allele origin: unknown.

Garcia Pulmonary Genetics Research Laboratory, Columbia University Irving Medical Center
Classification: Likely risk allele for Pulmonary fibrosis. Last evaluated: 2022-06-09. Review status: no assertion criteria provided. Collection method: research. Allele origin: germline. Affected: yes. Not counted in ClinVar's aggregate classification.
Comment: Leukocyte telomere length (by qPCR) less than 10th percentile age-adjusted

Literature cited by the submitters: PubMed 20502709 (cited by Ambry Genetics and Labcorp Genetics (formerly Invitae), Labcorp); PubMed 21931702 (cited by Ambry Genetics and Labcorp Genetics (formerly Invitae), Labcorp); PubMed 29891356 (cited by Ambry Genetics).